The following is an entry in ClinVar:

NM_021625.5(TRPV4):c.1493C>G (p.Pro498Arg)

Gene: TRPV4 (transient receptor potential cation channel subfamily V member 4; minus strand). Cytogenetic location: 12q24.11.
Variant type: single nucleotide variant.
Coding change: c.1493C>G on transcript NM_021625.5 (MANE Select); coding-DNA position 1493, C replaced by G.
Protein change: p.Pro498Arg; replaces proline 498 with arginine.
Molecular consequence: missense variant.
Genome position (GRCh38, 1-based): chr12:109,794,021, G>C on the plus strand (C>G on the coding strand, the complement: TRPV4 is on the minus strand). VCF-style: chr12-109794021-G-C. GRCh37 (hg19) VCF-style: chr12-110231826-G-C.
Other names: c.1352C>G, p.Pro451Arg (NM_001177428.2); c.1391C>G, p.Pro464Arg (NM_001177431.2); c.1172C>G, p.Pro391Arg (NM_001177433.2); c.1313C>G, p.Pro438Arg (NM_147204.3); short protein forms P391R, P451R, P464R, P438R, P498R.
Identifiers: ClinVar variation 4734005 (VCV004734005.1).
Genomic context (GRCh38, chr12:109,794,021, plus strand): 5'-AGCGTAATGACCTCGCCAGCCAGCCGCAGGTAGTCCACCGTGGTGCGGTAAGGGTACGGC[G>C]GCTGGGGAGCAGCAAGGGCACACAGGTCGTCACCCAGCCCCTCCAACATCTGGCCCCCAA-3'
Protein context (NP_067638.3, residues 488-508): TAYYQPLEGT[Pro498Arg]PYPYRTTVDY

ClinVar aggregate classification (germline): Uncertain significance (1 of 4 stars; one submission).

Conditions:
Charcot-Marie-Tooth disease axonal type 2C (HMSN2C). Also called: CHARCOT-MARIE-TOOTH DISEASE, AXONAL, AUTOSOMAL DOMINANT, TYPE 2C; Charcot-Marie-Tooth Neuropathy Type 2C; Charcot-Marie-Tooth Disease Type 2, TRPV4-Related (CMT2C). Identifiers: Orphanet 99937, MedGen C1853710, MONDO:0011633, OMIM 606071.

Submission:

Labcorp Genetics (formerly Invitae), Labcorp
Classification: Uncertain significance for Charcot-Marie-Tooth disease axonal type 2C. Last evaluated: 2025-12-23. Review status: criteria provided, single submitter. Criteria: Invitae Variant Classification Sherloc (09022015). Collection method: clinical testing. Allele origin: germline.
Comment: This sequence change replaces proline, which is neutral and non-polar, with arginine, which is basic and polar, at codon 498 of the TRPV4 protein (p.Pro498Arg). This variant is not present in population databases (gnomAD no frequency). This variant has not been reported in the literature in individuals affected with TRPV4-related conditions. An algorithm developed to predict the effect of missense changes on protein structure and function (PolyPhen-2) suggests that this variant is likely to be disruptive. In summary, the available evidence is currently insufficient to determine the role of this variant in disease. Therefore, it has been classified as a Variant of Uncertain Significance.